The following is an entry in ClinVar:

ClinVar aggregate classification (germline): Uncertain significance (1 of 4 stars; one submission).

Conditions:
Long QT syndrome (LQTS). Identifiers: MedGen C0023976, MeSH D008133, MONDO:0002442. Disease mechanism: loss of function. Inheritance: Various modes of inheritance.

Submission:

Labcorp Genetics (formerly Invitae), Labcorp
Classification: Uncertain significance for Long QT syndrome. Last evaluated: 2023-08-27. Review status: criteria provided, single submitter. Criteria: Invitae Variant Classification Sherloc (09022015). Collection method: clinical testing. Allele origin: germline.
Comment: This variant has not been reported in the literature in individuals affected with ANK2-related conditions. This sequence change replaces serine, which is neutral and polar, with asparagine, which is neutral and polar, at codon 1099 of the ANK2 protein (p.Ser1099Asn). This variant is not present in population databases (gnomAD no frequency). Advanced modeling of protein sequence and biophysical properties (such as structural, functional, and spatial information, amino acid conservation, physicochemical variation, residue mobility, and thermodynamic stability) performed at Invitae indicates that this missense variant is not expected to disrupt ANK2 protein function. In summary, the available evidence is currently insufficient to determine the role of this variant in disease. Therefore, it has been classified as a Variant of Uncertain Significance.

NM_001148.6(ANK2):c.3296G>A (p.Ser1099Asn)

Gene: ANK2 (ankyrin 2; plus strand). Cytogenetic location: 4q26.
Variant type: single nucleotide variant.
Coding change: c.3296G>A on transcript NM_001148.6 (MANE Select); coding-DNA position 3296, G replaced by A.
Protein change: p.Ser1099Asn; replaces serine 1099 with asparagine.
Molecular consequence: missense variant.
Genome position (GRCh38, 1-based): chr4:113,333,125, G>A. VCF-style: chr4-113333125-G-A. GRCh37 (hg19) VCF-style: chr4-114254281-G-A.
Other names: c.3269G>A, p.Ser1090Asn (NM_001127493.3); c.3308G>A, p.Ser1103Asn (NM_001354225.2); c.3197G>A, p.Ser1066Asn (NM_001354228.2, NM_001354258.2); c.3275G>A, p.Ser1092Asn (NM_001354230.2); c.3338G>A, p.Ser1113Asn (NM_001354231.2, NM_001354242.2); c.3332G>A, p.Ser1111Asn (NM_001354232.2); c.3293G>A, p.Ser1098Asn (NM_001354235.2, NM_001354246.2, NM_001354265.2); c.3194G>A, p.Ser1065Asn (NM_001354236.2); and 28 more; short protein forms S1012N, S1032N, S1045N, S1047N, S1054N, S1065N, S1078N, S1082N.
Identifiers: ClinVar variation 2753180 (VCV002753180.3), dbSNP rs2153942740, ClinGen allele CA357936102.